The following is an entry in ClinVar:

NC_012920.1(MT-TE):m.14693A>G

Gene: MT-TE (mitochondrially encoded tRNA glutamic acid; minus strand).
Variant type: single nucleotide variant.
Genome position: chrM-14693-A-G.
Identifiers: ClinVar variation 690204 (VCV000690204.1), dbSNP rs386829226, ClinGen allele CA337100133.
Genomic context (GRCh38, chrMT:14,693, plus strand): 5'-ATTACTAAACCCACACTCAACAGAAACAAAGCATACATCATTATTCTCGCACGGACTACA[A>G]CCACGACCAATGATATGAAAAACCATCGTTGTATTTCAACTACAAGAACACCAATGACCC-3'

ClinVar aggregate classification (germline): Benign (1 of 4 stars; one submission).

Conditions:
MELAS syndrome (MELAS). Also called: Juvenile myopathy, encephalopathy, lactic acidosis, stroke. Identifiers: Orphanet 550, MedGen C0162671, MONDO:0010789, OMIM 540000.

Submission:

Wong Mito Lab, Molecular and Human Genetics, Baylor College of Medicine
Classification: Benign for MELAS syndrome. Last evaluated: 2019-07-12. Review status: criteria provided, single submitter. Criteria: Modified ACMG Guidelines (Unpublished). Collection method: clinical testing. Allele origin: germline.
Comment: The NC_012920.1:m.14693A>G variant in MT-TE gene is interpreted to be a Benign variant based on the modified ACMG guidelines (unpublished). This variant meets the following evidence codes reported in the guidelines: BS1, BS2

Literature cited by the submitters: PubMed 31965079.